The following is an entry in ClinVar:

ClinVar aggregate classification (germline): Conflicting classifications of pathogenicity. Review status: criteria provided, conflicting classifications (1 of 4 stars). 4 submissions from 4 submitters: Uncertain significance (3); Likely benign (1). Last evaluated 2025-11-10.

Conditions:
Ehlers-Danlos syndrome, classic type, 2 (EDSCL2). Also called: Ehlers-Danlos syndrome, type 2; Ehlers-Danlos syndrome type 2 (formerly); Ehlers-Danlos Syndrome, Classic Type, COL5A2-Related. Identifiers: Orphanet 287, Orphanet 90318, MedGen C0268336, MONDO:0019568, OMIM 130010.
Familial thoracic aortic aneurysm and aortic dissection (TAAD). Also called: Thoracic aortic aneurysms and dissections. Identifiers: Orphanet 91387, MedGen C4707243, MONDO:0019625.
Ehlers-Danlos syndrome, classic type, 1 (EDSCL1). Also called: Ehlers-Danlos syndrome, type 1; EHLERS-DANLOS SYNDROME, GRAVIS TYPE; EHLERS-DANLOS SYNDROME, SEVERE CLASSIC TYPE; EDS I; Ehlers-Danlos Syndrome, Classic Type, COL5A1-Related. Identifiers: MedGen C0268335, MONDO:0019567, OMIM 130000.

Allele frequency attached by ClinVar (database versions not stated): gnomAD 0.00002 and 0.00001; TOPMed 0.00001; 1000 Genomes Project 0.00040; 1000 Genomes Project 30x 0.00031.
gnomAD v4.1: 27 of 1,613,484 alleles (0.0017%); highest among the groups gnomAD compares: East Asian, 0.025%; no homozygotes.

Submissions (5):

Labcorp Genetics (formerly Invitae), Labcorp
Classification: Uncertain significance for Ehlers-Danlos syndrome, classic type, 1. Last evaluated: 2025-11-10. Review status: criteria provided, single submitter. Criteria: Invitae Variant Classification Sherloc (09022015). Collection method: clinical testing. Allele origin: germline.
Comment: This sequence change replaces arginine, which is basic and polar, with cysteine, which is neutral and slightly polar, at codon 1067 of the COL5A2 protein (p.Arg1067Cys). This variant is present in population databases (rs539362640, gnomAD 0.04%). This variant has not been reported in the literature in individuals affected with COL5A2-related conditions. ClinVar contains an entry for this variant (Variation ID: 898195). Experimental studies and prediction algorithms are not available or were not evaluated, and the functional significance of this variant is currently unknown. In summary, the available evidence is currently insufficient to determine the role of this variant in disease. Therefore, it has been classified as a Variant of Uncertain Significance.

Ambry Genetics
Classification: Uncertain significance for Familial thoracic aortic aneurysm and aortic dissection. Last evaluated: 2024-05-31. Review status: criteria provided, single submitter. Criteria: Ambry Variant Classification Scheme 2023. Collection method: clinical testing. Allele origin: germline.
Comment: The p.R1067C variant (also known as c.3199C>T), located in coding exon 45 of the COL5A2 gene, results from a C to T substitution at nucleotide position 3199. The arginine at codon 1067 is replaced by cysteine, an amino acid with highly dissimilar properties. This amino acid position is well conserved in available vertebrate species. In addition, this alteration is predicted to be deleterious by in silico analysis. Based on the available evidence, the clinical significance of this variant remains unclear.

GeneDx
Classification: Uncertain significance. Last evaluated: 2023-05-16. Review status: criteria provided, single submitter. Criteria: GeneDx Variant Classification Process June 2021. Collection method: clinical testing. Allele origin: germline. Affected: yes.
Comment: In silico analysis supports that this missense variant has a deleterious effect on protein structure/function; Has not been previously published as pathogenic or benign to our knowledge

Illumina Laboratory Services, Illumina
Classification: Likely benign for Ehlers-Danlos syndrome, classic type, 2. Last evaluated: 2018-01-12. Review status: criteria provided, single submitter. Criteria: ICSL Variant Classification Criteria 13 December 2019. Collection method: clinical testing. Allele origin: germline.
Comment: This variant was observed in the ICSL laboratory as part of a predisposition screen in an ostensibly healthy population. It had not been previously curated by ICSL or reported in the Human Gene Mutation Database (HGMD: prior to June 1st, 2018), and was therefore a candidate for classification through an automated scoring system. Utilizing variant allele frequency, disease prevalence and penetrance estimates, and inheritance mode, an automated score was calculated to assess if this variant is too frequent to cause the disease. Based on the score and internal cut-off values, a variant classified as likely benign is not then subjected to further curation. The score for this variant resulted in a classification of likely benign for this disease.

Dr. Peter K. Rogan Lab, Western University
No classification provided (evidence only). Condition: Hepatocellular carcinoma. Review status: no classification provided. Collection method: in vitro. Allele origin: not applicable. Functional consequence: retained intron. Not counted in ClinVar's aggregate classification.

NM_000393.5(COL5A2):c.3199C>T (p.Arg1067Cys)

Gene: COL5A2 (collagen type V alpha 2 chain; minus strand). Cytogenetic location: 2q32.2.
Variant type: single nucleotide variant.
Coding change: c.3199C>T on transcript NM_000393.5 (MANE Select); coding-DNA position 3199, C replaced by T.
Protein change: p.Arg1067Cys; replaces arginine 1067 with cysteine.
Molecular consequence: missense variant.
Genome position (GRCh38, 1-based): chr2:189,048,211, G>A on the plus strand (C>T on the coding strand, the complement: COL5A2 is on the minus strand). VCF-style: chr2-189048211-G-A. GRCh37 (hg19) VCF-style: chr2-189912937-G-A.
Other names: short protein forms R1067C.
Identifiers: ClinVar variation 898195 (VCV000898195.12), dbSNP rs539362640, ClinGen allele CA2022083.